The following is an entry in ClinVar:

NM_001374828.1(ARID1B):c.2230A>G (p.Arg744Gly)

Gene: ARID1B (AT-rich interaction domain 1B; plus strand). Cytogenetic location: 6q25.3.
Variant type: single nucleotide variant.
Coding change: c.2230A>G on transcript NM_001374828.1 (MANE Select); coding-DNA position 2230, A replaced by G.
Protein change: p.Arg744Gly; replaces arginine 744 with glycine.
Molecular consequence: missense variant.
Genome position (GRCh38, 1-based): chr6:156,935,559, A>G. VCF-style: chr6-156935559-A-G. GRCh37 (hg19) VCF-style: chr6-157256693-A-G.
Other names: c.1981A>G, p.Arg661Gly (NM_001346813.1); c.2269A>G, p.Arg757Gly (NM_001371656.1, NM_001374820.1); c.2230A>G, p.Arg744Gly (NM_017519.3); c.2020A>G, p.Arg674Gly (NM_020732.3); c.1807A>G, p.Arg603Gly (NM_175863.2); short protein forms R757G, R661G, R744G, R603G, R674G.
Identifiers: ClinVar variation 2156680 (VCV002156680.3), dbSNP rs749657274, ClinGen allele CA4066970.

ClinVar aggregate classification (germline): Uncertain significance. Review status: criteria provided, multiple submitters, no conflicts (2 of 4 stars). 2 submissions from 2 submitters: Uncertain significance (2). Last evaluated 2025-09-25.

Conditions:
ARID1B-Related Disorder. Identifiers: MedGen CN381337.

Allele frequency attached by ClinVar (database versions not stated): ExAC 0.00002; TOPMed 0.00002; gnomAD exomes 0.00003; gnomAD 0.00001.
gnomAD v4.1: 49 of 1,611,658 alleles (0.003%); highest among the groups gnomAD compares: Non-Finnish European, 0.0038%; 1 homozygote.

Submissions (2):

PreventionGenetics, part of Exact Sciences
Classification: Uncertain significance for ARID1B-related condition. Last evaluated: 2025-09-25. Review status: criteria provided, single submitter. Criteria: ACMG Guidelines, 2015. Collection method: clinical testing. Allele origin: germline.
Comment: The ARID1B c.2020A>G variant is predicted to result in the amino acid substitution p.Arg674Gly. To our knowledge, this variant has not been reported in the literature. This variant is reported in 0.0058% of alleles in individuals of Latino descent in gnomAD. At this time, the clinical significance of this variant is uncertain due to the absence of conclusive functional and genetic evidence.

Labcorp Genetics (formerly Invitae), Labcorp
Classification: Uncertain significance. Last evaluated: 2023-09-03. Review status: criteria provided, single submitter. Criteria: Invitae Variant Classification Sherloc (09022015). Collection method: clinical testing. Allele origin: germline.
Comment: This variant has not been reported in the literature in individuals affected with ARID1B-related conditions. In summary, the available evidence is currently insufficient to determine the role of this variant in disease. Therefore, it has been classified as a Variant of Uncertain Significance. Advanced modeling of protein sequence and biophysical properties (such as structural, functional, and spatial information, amino acid conservation, physicochemical variation, residue mobility, and thermodynamic stability) has been performed at Invitae for this missense variant, however the output from this modeling did not meet the statistical confidence thresholds required to predict the impact of this variant on ARID1B protein function. ClinVar contains an entry for this variant (Variation ID: 2156680). This variant is present in population databases (rs749657274, gnomAD 0.006%). This sequence change replaces arginine, which is basic and polar, with glycine, which is neutral and non-polar, at codon 674 of the ARID1B protein (p.Arg674Gly).